The following is an entry in ClinVar:

ClinVar aggregate classification (germline): Benign (1 of 4 stars; one submission).

Conditions:
Juvenile polyposis/hereditary hemorrhagic telangiectasia syndrome (JPHT). Also called: JP/HHT SYNDROME; JUVENILE POLYPOSIS WITH HEREDITARY HEMORRHAGIC TELANGIECTASIA; POLYPOSIS, GENERALIZED JUVENILE, WITH PULMONARY ARTERIOVENOUS MALFORMATION; TELANGIECTASIA, HEREDITARY HEMORRHAGIC, WITH JUVENILE POLYPOSIS COLI; Juvenile Polyposis Syndrome / Hereditary Hemorrhagic Telangiectasia (JPS/HHT). Identifiers: Orphanet 2929, MedGen C1832942, MONDO:0008278, OMIM 175050.

Submission:

Myriad Genetics, Inc.
Classification: Benign for Juvenile polyposis/hereditary hemorrhagic telangiectasia syndrome. Last evaluated: 2025-03-19. Review status: criteria provided, single submitter. Criteria: Myriad Autosomal Dominant, Autosomal Recessive and X-Linked Classification Criteria (2023). Collection method: clinical testing. Allele origin: unknown.
Comment: This variant is considered benign. This variant is intronic and is not expected to impact mRNA splicing.

NM_005359.6(SMAD4):c.455-20_455-19del

Gene: SMAD4 (SMAD family member 4; plus strand). Cytogenetic location: 18q21.2.
Variant type: Microsatellite.
Coding change: c.455-20_455-19del on transcript NM_005359.6 (MANE Select); 20 bases into the intron before coding-DNA position 455 through 19 bases into the intron before coding-DNA position 455, 2 bases deleted (AT; older notation c.455-20_455-19delAT).
Molecular consequence: intron variant.
Genome position (GRCh38, 1-based): chr18:51,054,761-51,054,762, AT deleted; deleting any 2 consecutive bases within chr18:51,054,759-51,054,762 gives the same sequence; the c. name uses the placement nearest the transcript's 3' end. VCF-style (leftmost placement, unchanged base first): chr18-51054758-AAT-A. GRCh37 (hg19) VCF-style: chr18-48581128-AAT-A.
Other names: c.455-20_455-19del (NM_001407042.1, NM_001407041.1, NM_001407043.1).
Identifiers: ClinVar variation 3903883 (VCV003903883.1).